The following is an entry in ClinVar:

NM_024757.5(EHMT1):c.1105G>A (p.Ala369Thr)

Gene: EHMT1 (euchromatic histone lysine methyltransferase 1; plus strand). Cytogenetic location: 9q34.3.
Variant type: single nucleotide variant.
Coding change: c.1105G>A on transcript NM_024757.5 (MANE Select); coding-DNA position 1105, G replaced by A.
Protein change: p.Ala369Thr; replaces alanine 369 with threonine.
Molecular consequence: missense variant.
Genome position (GRCh38, 1-based): chr9:137,744,025, G>A. VCF-style: chr9-137744025-G-A. GRCh37 (hg19) VCF-style: chr9-140638477-G-A.
Other names: c.1105G>A, p.Ala369Thr (NM_001145527.2, NM_001354611.2); c.1012G>A, p.Ala338Thr (NM_001354259.2, NM_001354612.2); c.1084G>A, p.Ala362Thr (NM_001354263.2); short protein forms A369T, A338T, A362T.
Identifiers: ClinVar variation 854876 (VCV000854876.13), dbSNP rs200076276, ClinGen allele CA5374501.
Genomic context (GRCh38, chr9:137,744,025, plus strand): 5'-GATGAGGACGACTCAGAGGAGCTCGAGGAGGACGACGGCCATGGTGCAGAGCAGGCGGCC[G>A]CGTTCCCCACAGAGGACAGCAGGACTTCCAAGGAGAGCATGTCGGAGGCTGATCGCGCCC-3'
Protein context (NP_079033.4, residues 359-379): DDGHGAEQAA[Ala369Thr]FPTEDSRTSK

ClinVar aggregate classification (germline): Benign/Likely benign. Review status: criteria provided, multiple submitters, no conflicts (2 of 4 stars). 3 submissions from 3 submitters: Benign (1); Likely benign (2). Last evaluated 2026-07-01.

Conditions:
Kleefstra syndrome 1 (KLEFS1). Identifiers: Orphanet 261494, MedGen C0795833, MONDO:0027407, OMIM 610253.
Inborn genetic diseases. Identifiers: MedGen C0950123, MeSH D030342.

Allele frequency attached by ClinVar (database versions not stated): ExAC 0.00003; gnomAD 0.00004 and 0.00005; TOPMed 0.00006; ESP Exome Variant Server 0.00031.
gnomAD v4.1: 26 of 1,614,004 alleles (0.0016%); highest among the groups gnomAD compares: Non-Finnish European, 0.0018%; no homozygotes.

Submissions (3):

CeGaT Center for Human Genetics Tuebingen
Classification: Likely benign. Last evaluated: 2026-07-01. Review status: criteria provided, single submitter. Criteria: CeGaT Center For Human Genetics Tuebingen Variant Classification Criteria Version 2. Collection method: clinical testing. Allele origin: germline. Affected: yes. Observed: 2 variant alleles.
Comment: EHMT1: BP4

Labcorp Genetics (formerly Invitae), Labcorp
Classification: Benign for Kleefstra syndrome 1. Last evaluated: 2024-11-21. Review status: criteria provided, single submitter. Criteria: Invitae Variant Classification Sherloc (09022015). Collection method: clinical testing. Allele origin: germline.

Ambry Genetics
Classification: Likely benign for Inborn genetic diseases. Last evaluated: 2022-01-27. Review status: criteria provided, single submitter. Criteria: Ambry Variant Classification Scheme 2023. Collection method: clinical testing. Allele origin: germline.